The following is an entry in ClinVar:

NM_014283.5(SUCO):c.1867A>G (p.Ile623Val)

Gene: SUCO (SUN domain containing ossification factor; plus strand). Cytogenetic location: 1q24.3.
Variant type: single nucleotide variant.
Coding change: c.1867A>G on transcript NM_014283.5 (MANE Select); coding-DNA position 1867, A replaced by G.
Protein change: p.Ile623Val; replaces isoleucine 623 with valine.
Molecular consequence: missense variant. On other transcripts: intron variant (1).
Genome position (GRCh38, 1-based): chr1:172,588,968, A>G. VCF-style: chr1-172588968-A-G. GRCh37 (hg19) VCF-style: chr1-172558108-A-G.
Other names: c.178A>G, p.Ile60Val (NM_001282751.2); c.2320A>G, p.Ile774Val (NM_016227.4); c.1712+44A>G (NM_001282750.2); short protein forms I774V, I60V, I623V.
Identifiers: ClinVar variation 2876421 (VCV002876421.3), dbSNP rs771766598, ClinGen allele CA1246979.
Genomic context (GRCh38, chr1:172,588,968, plus strand): 5'-GATGAATCATCACCCTGGTTTGAGTCAGAGACACAAATATTTTGCAGTGAACTGACCACA[A>G]TTTGTTGTATTTCTAGTTTTTCAGAATACATATATAAATGGTGTTCAGTTAGAGTTGCTC-3'
Protein context (NP_055098.1, residues 613-633): TQIFCSELTT[Ile623Val]CCISSFSEYI

ClinVar aggregate classification (germline): Uncertain significance (1 of 4 stars; one submission).

Allele frequency attached by ClinVar (database versions not stated): gnomAD exomes 0.00001; ExAC 0.00003.
gnomAD v4.1: 9 of 1,610,164 alleles (0.00056%); highest among the groups gnomAD compares: Admixed American, 0.0084%; no homozygotes.

Submission:

Labcorp Genetics (formerly Invitae), Labcorp
Classification: Uncertain significance. Last evaluated: 2024-01-18. Review status: criteria provided, single submitter. Criteria: Invitae Variant Classification Sherloc (09022015). Collection method: clinical testing. Allele origin: germline.
Comment: This sequence change replaces isoleucine, which is neutral and non-polar, with valine, which is neutral and non-polar, at codon 623 of the SUCO protein (p.Ile623Val). This variant is present in population databases (rs771766598, gnomAD 0.01%). This variant has not been reported in the literature in individuals affected with SUCO-related conditions. Algorithms developed to predict the effect of missense changes on protein structure and function output the following: SIFT: "Not Available"; PolyPhen-2: "Benign"; Align-GVGD: "Not Available". The valine amino acid residue is found in multiple mammalian species, which suggests that this missense change does not adversely affect protein function. In summary, the available evidence is currently insufficient to determine the role of this variant in disease. Therefore, it has been classified as a Variant of Uncertain Significance.